The following is an entry in ClinVar:

ClinVar aggregate classification (germline): Uncertain significance. Review status: criteria provided, multiple submitters, no conflicts (2 of 4 stars). 2 submissions from 2 submitters: Uncertain significance (2). Last evaluated 2025-09-28.

Conditions:
Cardiovascular phenotype. Identifiers: MedGen CN230736.
Cardiomyopathy (CMYO). Also called: Cardiomyopathies. Identifiers: Orphanet 167848, MedGen C0878544, MONDO:0004994, HP:0001638. Inheritance: Various modes of inheritance.

Submissions (2):

Ambry Genetics
Classification: Uncertain significance for Cardiovascular phenotype. Last evaluated: 2025-09-28. Review status: criteria provided, single submitter. Criteria: Ambry Variant Classification Scheme 2023. Collection method: clinical testing. Allele origin: germline.
Comment: The p.M346L variant (also known as c.1036A>T), located in coding exon 6 of the DES gene, results from an A to T substitution at nucleotide position 1036. The methionine at codon 346 is replaced by leucine, an amino acid with highly similar properties. This amino acid position is conserved. In addition, the in silico prediction for this alteration is inconclusive. Based on the available evidence, the clinical significance of this variant remains unclear.

CHEO Genetics Diagnostic Laboratory, Children's Hospital of Eastern Ontario
Classification: Uncertain significance for Cardiomyopathy. Last evaluated: 2022-09-30. Review status: criteria provided, single submitter. Criteria: ACMG Guidelines, 2015. Collection method: clinical testing. Allele origin: germline.

NM_001927.4(DES):c.1036A>T (p.Met346Leu)

Gene: DES (desmin; plus strand). Cytogenetic location: 2q35.
Variant type: single nucleotide variant.
Coding change: c.1036A>T on transcript NM_001927.4 (MANE Select); coding-DNA position 1036, A replaced by T.
Protein change: p.Met346Leu; replaces methionine 346 with leucine.
Molecular consequence: missense variant. On other transcripts: intron variant (3).
Genome position (GRCh38, 1-based): chr2:219,421,352, A>T. VCF-style: chr2-219421352-A-T. GRCh37 (hg19) VCF-style: chr2-220286074-A-T.
Other names: c.1033A>T, p.Met345Leu (NM_001382708.1); c.1036A>T, p.Met346Leu (NM_001382712.1); c.766A>T, p.Met256Leu (NM_001382713.1); c.1024-9A>T (NM_001382711.1); c.1024-57A>T (NM_001382710.1); c.736-132A>T (NM_001382709.1); short protein forms M256L, M345L, M346L.
Identifiers: ClinVar variation 2691160 (VCV002691160.2), dbSNP rs2545254720, ClinGen allele CA350693718.